The following is an entry in ClinVar:

NM_003705.5(SLC25A12):c.1342G>A (p.Glu448Lys)

Gene: SLC25A12 (solute carrier family 25 member 12; minus strand). Cytogenetic location: 2q31.1.
Variant type: single nucleotide variant.
Coding change: c.1342G>A on transcript NM_003705.5 (MANE Select); coding-DNA position 1342, G replaced by A.
Protein change: p.Glu448Lys; replaces glutamic acid 448 with lysine.
Molecular consequence: missense variant. On other transcripts: non-coding transcript variant (1).
Genome position (GRCh38, 1-based): chr2:171,793,731, C>T on the plus strand (G>A on the coding strand, the complement: SLC25A12 is on the minus strand). VCF-style: chr2-171793731-C-T. GRCh37 (hg19) VCF-style: chr2-172650241-C-T.
Other names: short protein forms E448K.
Identifiers: ClinVar variation 3368840 (VCV003368840.2).

ClinVar aggregate classification (germline): Uncertain significance (1 of 4 stars; one submission).

gnomAD v4.1: 3 of 1,614,036 alleles (0.00019%); highest among the groups gnomAD compares: African/African-American, 0.004%; no homozygotes.

Submission:

GeneDx
Classification: Uncertain significance. Last evaluated: 2025-07-26. Review status: criteria provided, single submitter. Criteria: GeneDx Variant Classification Process June 2021. Collection method: clinical testing. Allele origin: germline.
Comment: Not observed at significant frequency in large population cohorts (gnomAD); In silico analysis supports that this missense variant has a deleterious effect on protein structure/function; Has not been previously published as pathogenic or benign to our knowledge